The following is an entry in ClinVar:

NM_002473.6(MYH9):c.5354G>T (p.Arg1785Leu)

Gene: MYH9 (myosin heavy chain 9; minus strand). Cytogenetic location: 22q12.3.
Variant type: single nucleotide variant.
Coding change: c.5354G>T on transcript NM_002473.6 (MANE Select); coding-DNA position 5354, G replaced by T.
Protein change: p.Arg1785Leu; replaces arginine 1785 with leucine.
Molecular consequence: missense variant.
Genome position (GRCh38, 1-based): chr22:36,285,250, C>A on the plus strand (G>T on the coding strand, the complement: MYH9 is on the minus strand). VCF-style: chr22-36285250-C-A. GRCh37 (hg19) VCF-style: chr22-36681296-C-A.
Other names: c.5354G>T (NM_002473.5); short protein forms R1785L.
Identifiers: ClinVar variation 591933 (VCV000591933.3), dbSNP rs774015925, ClinGen allele CA411373661.
Genomic context (GRCh38, chr22:36,285,250, plus strand): 5'-TACTTGGACTTGACAGTGCCCTCCATCTCCTGCAGCTTGACCTTAAGCTCCTTGTTCTGG[C>A]GTTCCAGCTGCTGCCGAGCATTCTCGTTCTTCTGGGCGTGGCTGCGCTCCAGGTTCAGGT-3'
Protein context (NP_002464.1, residues 1775-1795): KNENARQQLE[Arg1785Leu]QNKELKVKLQ

ClinVar aggregate classification (germline): Uncertain significance. Review status: no assertion criteria provided (0 of 4 stars). 2 submissions from 2 submitters: Uncertain significance (2). Last evaluated 2024-02-14.

Conditions:
MYH9-related disorder. Identifiers: MedGen C1854520.

Allele frequency attached by ClinVar (database versions not stated): TOPMed below 0.00001.
gnomAD v4.1: 3 of 1,614,146 alleles (0.00019%); highest among the groups gnomAD compares: South Asian, 0.0011%; no homozygotes.

Submissions (2):

PreventionGenetics, part of Exact Sciences
Classification: Uncertain significance for MYH9-related condition. Last evaluated: 2024-02-14. Review status: no assertion criteria provided. Collection method: clinical testing. Allele origin: germline.
Comment: The MYH9 c.5354G>T variant is predicted to result in the amino acid substitution p.Arg1785Leu. To our knowledge, this variant has not been reported in the literature or in a large population database, indicating this variant is rare. Of note, a different substitution at the same codon, defined as c.5353C>T (p.Arg1785Cys), was reported in an individual with hereditary hearing loss, but the clinical significance was uncertain (Kim et al. 2016. PubMed ID: 27393652). At this time, the clinical significance of the p.Arg1785Leu variant is uncertain due to the absence of conclusive functional and genetic evidence.

Gharavi Laboratory, Columbia University
Classification: Uncertain significance. Last evaluated: 2018-09-16. Review status: no assertion criteria provided. Criteria: ACMG Guidelines, 2015. Collection method: research. Allele origin: germline. Affected: yes.